The following is an entry in ClinVar:

NM_001042492.3(NF1):c.4374A>T (p.Glu1458Asp)

Gene: NF1 (neurofibromin 1; plus strand). Cytogenetic location: 17q11.2.
Variant type: single nucleotide variant.
Coding change: c.4374A>T on transcript NM_001042492.3 (MANE Select); coding-DNA position 4374, A replaced by T.
Protein change: p.Glu1458Asp; replaces glutamic acid 1458 with aspartic acid.
Molecular consequence: missense variant.
Genome position (GRCh38, 1-based): chr17:31,259,073, A>T. VCF-style: chr17-31259073-A-T. GRCh37 (hg19) VCF-style: chr17-29586091-A-T.
Other names: c.4311A>T, p.Glu1437Asp (NM_000267.4); short protein forms E1458D, E1437D.
Identifiers: ClinVar variation 2133950 (VCV002133950.4), dbSNP rs1597745662, ClinGen allele CA398998820.

ClinVar aggregate classification (germline): Uncertain significance (1 of 4 stars; one submission).

Conditions:
Neurofibromatosis, type 1 (NF1). Also called: Peripheral type neurofibromatosis; NEUROFIBROMATOSIS, TYPE I, SOMATIC; Neurofibromatosis, type I; VON RECKLINGHAUSEN DISEASE. Identifiers: Orphanet 636, MedGen C0027831, MONDO:0018975, OMIM 162200. Disease mechanism: loss of function.

Submission:

Labcorp Genetics (formerly Invitae), Labcorp
Classification: Uncertain significance for Neurofibromatosis, type 1. Last evaluated: 2022-05-04. Review status: criteria provided, single submitter. Criteria: Invitae Variant Classification Sherloc (09022015). Collection method: clinical testing. Allele origin: germline.
Comment: In summary, the available evidence is currently insufficient to determine the role of this variant in disease. Therefore, it has been classified as a Variant of Uncertain Significance. Advanced modeling of protein sequence and biophysical properties (such as structural, functional, and spatial information, amino acid conservation, physicochemical variation, residue mobility, and thermodynamic stability) performed at Invitae indicates that this missense variant is expected to disrupt NF1 protein function. This variant has not been reported in the literature in individuals affected with NF1-related conditions. This variant is not present in population databases (gnomAD no frequency). This sequence change replaces glutamic acid, which is acidic and polar, with aspartic acid, which is acidic and polar, at codon 1437 of the NF1 protein (p.Glu1437Asp).